The following is an entry in ClinVar:

ClinVar aggregate classification (germline): Pathogenic. Review status: reviewed by expert panel (3 of 4 stars). 2 submissions from 2 submitters: Pathogenic (1). 1 of the submissions does not count toward it. Last evaluated 2026-07-20.

Conditions:
CEP290-related ciliopathy. Also called: CEP290 ciliopathy. Identifiers: MedGen CN305601, MONDO:0100451.
CEP290-related disorder. Also called: CEP290-related disorders; CEP290-related condition. Identifiers: MedGen CN239314.

Submissions (2):

ClinGen Leber Congenital Amaurosis/early Onset Retinal Dystrophy Variant Curation Expert Panel, ClinGen
Classification: Pathogenic for CEP290-related ciliopathy. Last evaluated: 2026-07-20. Review status: reviewed by expert panel. Criteria: ClinGen LCAeoRD ACMG Specifications CEP290 V1.0.0. Collection method: curation. Allele origin: germline. Inheritance: Autosomal recessive inheritance.
Comment: NM_025114.4(CEP290):c.7318_7321dup (p.Leu2441Serfs*16) is a frameshift variant that introduces a premature stop codon into exon 54 of 54 and is predicted not to trigger nonsense-mediated decay but rather to C-terminally truncate part of the protein product that is required for CEP290 function (PVS1). This variant is absent from gnomAD v4.1.1 (PM2_Supporting). This variant has been reported in at least 1 proband with early-onset severe retinal dystrophy who was homozygous for the variant (0.5 points, VCEP member-provided data). This variant has also been reported in at least 1 proband with early-onset severe retinal dystrophy who was compound heterozygous with the NM_025114.4(CEP290):c.6072C>A (p.Tyr2024Ter) variant suspected in trans (0.5 points, PMID: 17564967), which was previously classified pathogenic by the ClinGen LCA/eoRD VCEP (1 total point, PM3). The variant has been reported to segregate with childhood-onset severe retinal dystrophy through the proband plus 1 similarly affected relative, with the variant present in the compound heterozygous state (PMID: 17564967, PP1). In summary, this variant meets the criteria to be classified as Pathogenic for CEP290-related ciliopathy based on the ACMG/AMP criteria applied, as specified by the ClinGen LCA/eoRD VCEP: PVS1, PM2_Supporting, PM3, and PP1. (LCA/eoRD VCEP Specifications for CEP290 Version 1.0.0)

Blueprint Genetics
Classification: Pathogenic for CEP290-related disorders. Last evaluated: 2017-11-03. Review status: criteria provided, single submitter. Criteria: ACMG Guidelines, 2015. Collection method: clinical testing. Allele origin: germline. Affected: yes. Observed: 1 variant allele. Not counted in ClinVar's aggregate classification.

NM_025114.4(CEP290):c.7318_7321dup (p.Leu2441fs)

Genes: CEP290 (centrosomal protein 290; minus strand), RLIG1 (RNA 5'-phosphate and 3'-OH ligase 1; plus strand). Cytogenetic location: 12q21.32.
Variant type: Microsatellite.
Coding change: c.7318_7321dup on transcript NM_025114.4 (MANE Select); coding-DNA positions 7318 to 7321, 4 bases duplicated (CTCT; older notation c.7318_7321dupCTCT).
Protein change: p.Leu2441fs; shifts the reading frame from leucine 2441.
Molecular consequence: frameshift variant. On other transcripts: 3 prime UTR variant (1).
Genome position (GRCh38, 1-based): chr12:88,049,303-88,049,306, AGAG duplicated on the plus strand (CTCT on the coding strand, the reverse complement: CEP290 is on the minus strand); duplicating any 4 consecutive bases within chr12:88,049,303-88,049,307 gives the same sequence; the c. name uses the placement nearest the transcript's 3' end. VCF-style (leftmost placement, unchanged base first): chr12-88049302-A-AAGAG. GRCh37 (hg19) VCF-style: chr12-88443079-A-AAGAG.
Other names: NM_025114.4(CEP290):c.7318_7321dup; p.Leu2441fs; c.*882GA[4] (NM_001009894.3); short protein forms L2441fs.
Identifiers: ClinVar variation 866473 (VCV000866473.3), dbSNP rs2033241849, ClinGen allele CA912974266.